The following is an entry in ClinVar:

ClinVar aggregate classification (germline): Uncertain significance (1 of 4 stars; one submission).

Submission:

Women's Health and Genetics/Laboratory Corporation of America, LabCorp
Classification: Uncertain significance. Last evaluated: 2024-05-07. Review status: criteria provided, single submitter. Criteria: LabCorp Variant Classification Summary - May 2015. Collection method: clinical testing. Allele origin: germline.
Comment: Variant summary: KIF5C c.2024-3C>T alters a conserved nucleotide located close to a canonical splice site and therefore could affect mRNA splicing, leading to a significantly altered protein sequence. Consensus agreement among computation tools predict no significant impact on normal splicing. However, these predictions have yet to be confirmed by functional studies. The variant was absent in 248616 control chromosomes. The available data on variant occurrences in the general population are insufficient to allow any conclusion about variant significance. To our knowledge, no occurrence of c.2024-3C>T in individuals affected with Complex Cortical Dysplasia With Other Brain Malformations 2 and no experimental evidence demonstrating its impact on protein function have been reported. No submitters have cited clinical-significance assessments for this variant to ClinVar. Based on the evidence outlined above, the variant was classified as uncertain significance.

NM_004522.3(KIF5C):c.2024-3C>T

Gene: KIF5C (kinesin family member 5C; plus strand). Cytogenetic location: 2q23.1.
Variant type: single nucleotide variant.
Coding change: c.2024-3C>T on transcript NM_004522.3 (MANE Select); 3 bases into the intron before coding-DNA position 2024, C replaced by T.
Molecular consequence: intron variant.
Genome position (GRCh38, 1-based): chr2:148,997,261, C>T. VCF-style: chr2-148997261-C-T. GRCh37 (hg19) VCF-style: chr2-149853775-C-T.
Identifiers: ClinVar variation 3336127 (VCV003336127.1).